The following is an entry in ClinVar:

NM_000393.5(COL5A2):c.2156G>A (p.Arg719Lys)

Gene: COL5A2 (collagen type V alpha 2 chain; minus strand). Cytogenetic location: 2q32.2.
Variant type: single nucleotide variant.
Coding change: c.2156G>A on transcript NM_000393.5 (MANE Select); coding-DNA position 2156, G replaced by A.
Protein change: p.Arg719Lys; replaces arginine 719 with lysine.
Molecular consequence: missense variant.
Genome position (GRCh38, 1-based): chr2:189,058,502, C>T on the plus strand (G>A on the coding strand, the complement: COL5A2 is on the minus strand). VCF-style: chr2-189058502-C-T. GRCh37 (hg19) VCF-style: chr2-189923228-C-T.
Other names: p.R719K:AGA>AAA; short protein forms R719K.
Identifiers: ClinVar variation 213103 (VCV000213103.2), dbSNP rs760537680, ClinGen allele CA323634.
Genomic context (GRCh38, chr2:189,058,502, plus strand): 5'-GGACCATGTCCTCCAGCCATTCCCTTCTCACCAGGGAGTCCAGTTATCCCAGGTTCTCCT[C>T]TTTCCCCAGGATTTCCTCGTTCTCCCTAGCACAAAATTGGGATGTCAAATAATCTCAATA-3'
Protein context (NP_000384.2, residues 709-729): PRGERGNPGE[Arg719Lys]GEPGITGLPG

ClinVar aggregate classification (germline): Uncertain significance (1 of 4 stars; one submission).

Allele frequency attached by ClinVar (database versions not stated): gnomAD exomes below 0.00001 and 0.00001; ExAC 0.00002.
gnomAD v4.1: 2 of 1,614,070 alleles (0.00012%); highest among the groups gnomAD compares: Admixed American, 0.0017%; no homozygotes.

Submission:

GeneDx
Classification: Uncertain significance. Last evaluated: 2017-11-28. Review status: criteria provided, single submitter. Criteria: GeneDx Variant Classification (06012015). Collection method: clinical testing. Allele origin: germline. Affected: yes.
Comment: TAAD is a genetically heterogeneous disorder characterized by aortic dilatation, aneurysms, dissections and/or aneurysms of other major arteries. Approximately 4% of patients with autosomal dominant Ehlers-Danlos syndrome, classic type, have been reported to have a mutation in the COL5A2 gene (Malfait F et al., 2011). c.2156 G>A in exon 33 of the COL5A2 gene (NM_000393.3)A variant of unknown significance has been identified in the COL5A2 gene. The R719K variant has not been published as a mutation, nor has it been reported as a benign polymorphism to our knowledge. The R719K variant was not observed in approximately 6,500 individuals of European and African American ancestry in the NHLBI Exome Sequencing Project, indicating it is not a common benign variant in these populations. This substitution occurs at a position that is conserved across species and in silico analysis predicts this variant is probably damaging to the protein structure/function. However, the R719K variant is a conservative amino acid substitution, which is not likely to impact secondary protein structure as these residues share similar properties. Additionally, missense mutations in nearby residues have not been reported, indicating this region of the protein may tolerate change. Therefore, based on the currently available information, it is unclear whether this variant is a pathogenic mutation or a rare benign variant. This variant was found in TAAD.